The following is an entry in ClinVar:

ClinVar aggregate classification (germline): Uncertain significance (1 of 4 stars; one submission).

Submission:

Labcorp Genetics (formerly Invitae), Labcorp
Classification: Uncertain significance. Last evaluated: 2022-07-12. Review status: criteria provided, single submitter. Criteria: Invitae Variant Classification Sherloc (09022015). Collection method: clinical testing. Allele origin: germline.
Comment: This variant has not been reported in the literature in individuals affected with COL4A1-related conditions. Algorithms developed to predict the effect of missense changes on protein structure and function are either unavailable or do not agree on the potential impact of this missense change (SIFT: "Tolerated"; PolyPhen-2: "Not Available"; Align-GVGD: "Class C0"). In summary, the available evidence is currently insufficient to determine the role of this variant in disease. Therefore, it has been classified as a Variant of Uncertain Significance. This variant is present in population databases (no rsID available, gnomAD 0.003%). This sequence change replaces methionine, which is neutral and non-polar, with lysine, which is basic and polar, at codon 1556 of the COL4A1 protein (p.Met1556Lys).

NM_001845.6(COL4A1):c.4667T>A (p.Met1556Lys)

Gene: COL4A1 (collagen type IV alpha 1 chain; minus strand). Cytogenetic location: 13q34.
Variant type: single nucleotide variant.
Coding change: c.4667T>A on transcript NM_001845.6 (MANE Select); coding-DNA position 4667, T replaced by A.
Protein change: p.Met1556Lys; replaces methionine 1556 with lysine.
Molecular consequence: missense variant.
Genome position (GRCh38, 1-based): chr13:110,155,371, A>T on the plus strand (T>A on the coding strand, the complement: COL4A1 is on the minus strand). VCF-style: chr13-110155371-A-T. GRCh37 (hg19) VCF-style: chr13-110807718-A-T.
Other names: short protein forms M1556K.
Identifiers: ClinVar variation 2067281 (VCV002067281.4), dbSNP rs1237824724, ClinGen allele CA388655787.
Genomic context (GRCh38, chr13:110,155,371, plus strand): 5'-GAGGACCACCCGCTGGGGCACGGTGGGATCTGAATGGTCTGGCTGTGCACGGCCATCACC[A>T]TGGCAGGCGCCTCACACACAGCACACCTGGAAGTGGAGCAGAGACACTCAGCACAGCCGG-3'
Protein context (NP_001836.3, residues 1546-1566): SRCAVCEAPA[Met1556Lys]VMAVHSQTIQ